The following is an entry in ClinVar:

NM_003000.3(SDHB):c.829A>G (p.Lys277Glu)

Gene: SDHB (succinate dehydrogenase complex iron sulfur subunit B; minus strand). Cytogenetic location: 1p36.13.
Variant type: single nucleotide variant.
Coding change: c.829A>G on transcript NM_003000.3 (MANE Select); coding-DNA position 829, A replaced by G.
Protein change: p.Lys277Glu; replaces lysine 277 with glutamic acid.
Molecular consequence: missense variant.
Genome position (GRCh38, 1-based): chr1:17,018,895, T>C on the plus strand (A>G on the coding strand, the complement: SDHB is on the minus strand). VCF-style: chr1-17018895-T-C. GRCh37 (hg19) VCF-style: chr1-17345390-T-C.
Other names: c.775A>G, p.Lys259Glu (NM_001407361.1); short protein forms K259E, K277E.
Identifiers: ClinVar variation 5029272 (VCV005029272.1).

ClinVar aggregate classification (germline): Uncertain significance (1 of 4 stars; one submission).

Conditions:
Hereditary cancer-predisposing syndrome. Also called: Neoplastic Syndromes, Hereditary; Tumor predisposition; Hereditary neoplastic syndrome; Hereditary Cancer Syndrome. Identifiers: Orphanet 140162, MedGen C0027672, MeSH D009386, MONDO:0015356.

Submission:

Ambry Genetics
Classification: Uncertain significance for Hereditary cancer-predisposing syndrome. Last evaluated: 2026-07-06. Review status: criteria provided, single submitter. Criteria: Ambry Variant Classification Scheme 2023. Collection method: clinical testing. Allele origin: germline.
Comment: The p.K277E variant (also known as c.829A>G), located in coding exon 8 of the SDHB gene, results from an A to G substitution at nucleotide position 829. The lysine at codon 277 is replaced by glutamic acid, an amino acid with similar properties. This amino acid position is conserved. In addition, the in silico prediction for this alteration is inconclusive. Based on the available evidence, the clinical significance of this variant remains unclear.